The following is an entry in ClinVar:

ClinVar aggregate classification (germline): Uncertain significance. Review status: criteria provided, multiple submitters, no conflicts (2 of 4 stars). 2 submissions from 2 submitters: Uncertain significance (2). Last evaluated 2024-03-06.

Conditions:
Ataxia-telangiectasia syndrome (AT). Also called: Ataxia-telangiectasia, complementation group D; Cerebello-oculocutaneous telangiectasia; Immunodeficiency with ataxia telangiectasia; LOUIS-BAR SYNDROME; Ataxia-telangiectasia; AT, COMPLEMENTATION GROUP C. Identifiers: Orphanet 100, MedGen C0004135, MONDO:0008840, OMIM 208900.
Hereditary cancer-predisposing syndrome. Also called: Tumor predisposition; Hereditary neoplastic syndrome; Neoplastic Syndromes, Hereditary; Hereditary Cancer Syndrome. Identifiers: Orphanet 140162, MedGen C0027672, MeSH D009386, MONDO:0015356.

Submissions (2):

Color Diagnostics, LLC DBA Color Health
Classification: Uncertain significance for Hereditary cancer-predisposing syndrome. Last evaluated: 2024-03-06. Review status: criteria provided, single submitter. Criteria: ACMG Guidelines, 2015. Collection method: clinical testing. Allele origin: germline.
Comment: This missense variant replaces lysine with arginine at codon 687 of the ATM protein. Computational prediction tool suggests that this variant may not impact protein structure and function (internally defined REVEL score threshold <=0.5, PMID: 27666373). Splice site prediction tools suggest that this variant may not impact RNA splicing. To our knowledge, functional studies have not been performed for this variant. This variant has not been reported in individuals affected with hereditary cancer in the literature. This variant has not been identified in the general population by the Genome Aggregation Database (gnomAD). The available evidence is insufficient to determine the role of this variant in disease conclusively. Therefore, this variant is classified as a Variant of Uncertain Significance.

Labcorp Genetics (formerly Invitae), Labcorp
Classification: Uncertain significance for Ataxia-telangiectasia syndrome. Last evaluated: 2020-11-01. Review status: criteria provided, single submitter. Criteria: Invitae Variant Classification Sherloc (09022015). Collection method: clinical testing. Allele origin: germline.
Comment: In summary, the available evidence is currently insufficient to determine the role of this variant in disease. Therefore, it has been classified as a Variant of Uncertain Significance. Advanced modeling of protein sequence and biophysical properties (such as structural, functional, and spatial information, amino acid conservation, physicochemical variation, residue mobility, and thermodynamic stability) performed at Invitae indicates that this missense variant is not expected to disrupt ATM protein function. This variant has not been reported in the literature in individuals with ATM-related conditions. ClinVar contains an entry for this variant (Variation ID: 928080). This variant is not present in population databases (ExAC no frequency). This sequence change replaces lysine with arginine at codon 687 of the ATM protein (p.Lys687Arg). The lysine residue is weakly conserved and there is a small physicochemical difference between lysine and arginine.

NM_000051.4(ATM):c.2060A>G (p.Lys687Arg)

Gene: ATM (ATM serine/threonine kinase; plus strand). Cytogenetic location: 11q22.3.
Variant type: single nucleotide variant.
Coding change: c.2060A>G on transcript NM_000051.4 (MANE Select); coding-DNA position 2060, A replaced by G.
Protein change: p.Lys687Arg; replaces lysine 687 with arginine.
Molecular consequence: missense variant.
Genome position (GRCh38, 1-based): chr11:108,253,975, A>G. VCF-style: chr11-108253975-A-G. GRCh37 (hg19) VCF-style: chr11-108124702-A-G.
Other names: c.2060A>G, p.Lys687Arg (NM_001351834.2); short protein forms K687R.
Identifiers: ClinVar variation 928080 (VCV000928080.13), dbSNP rs2080312441, ClinGen allele CA382537484.